The following is an entry in ClinVar:

NM_001371986.1(UNC80):c.1136C>A (p.Pro379His)

Gene: UNC80 (unc-80 subunit of NALCN channel complex; plus strand). Cytogenetic location: 2q34.
Variant type: single nucleotide variant.
Coding change: c.1136C>A on transcript NM_001371986.1 (MANE Select); coding-DNA position 1136, C replaced by A.
Protein change: p.Pro379His; replaces proline 379 with histidine.
Molecular consequence: missense variant.
Genome position (GRCh38, 1-based): chr2:209,813,777, C>A. VCF-style: chr2-209813777-C-A. GRCh37 (hg19) VCF-style: chr2-210678501-C-A.
Other names: c.1136C>A, p.Pro379His (NM_032504.2, NM_182587.4); short protein forms P379H.
Identifiers: ClinVar variation 1463367 (VCV001463367.6), dbSNP rs1227553927, ClinGen allele CA350133431.
Genomic context (GRCh38, chr2:209,813,777, plus strand): 5'-TGCGACACATGTTGGAAGAGAAGCCAGAAAAGCCTCCGGAGCCAGATATTCCTCTCCTGC[C>A]CAGACCCAGGAGTAGCTCCATGGTGGCAGCAGCTCCCTCACTAGTGAACACCCACAAAAC-3'
Protein context (NP_001358915.1, residues 369-389): KPPEPDIPLL[Pro379His]RPRSSSMVAA

ClinVar aggregate classification (germline): Uncertain significance (1 of 4 stars; one submission).

Allele frequency attached by ClinVar (database versions not stated): TOPMed below 0.00001; gnomAD exomes 0.00001.
gnomAD v4.1: 4 of 1,552,080 alleles (0.00026%); highest among the groups gnomAD compares: East Asian, 0.0098%; no homozygotes.

Submission:

Labcorp Genetics (formerly Invitae), Labcorp
Classification: Uncertain significance. Last evaluated: 2023-11-20. Review status: criteria provided, single submitter. Criteria: Invitae Variant Classification Sherloc (09022015). Collection method: clinical testing. Allele origin: germline.
Comment: This sequence change replaces proline, which is neutral and non-polar, with histidine, which is basic and polar, at codon 379 of the UNC80 protein (p.Pro379His). This variant is not present in population databases (gnomAD no frequency). This variant has not been reported in the literature in individuals affected with UNC80-related conditions. ClinVar contains an entry for this variant (Variation ID: 1463367). An algorithm developed to predict the effect of missense changes on protein structure and function (PolyPhen-2) suggests that this variant is likely to be disruptive. In summary, the available evidence is currently insufficient to determine the role of this variant in disease. Therefore, it has been classified as a Variant of Uncertain Significance.